The following is an entry in ClinVar:

ClinVar aggregate classification (germline): Uncertain significance (1 of 4 stars; one submission).

Allele frequency attached by ClinVar (database versions not stated): gnomAD exomes below 0.00001; TOPMed 0.00001; gnomAD 0.00002.

Submission:

Labcorp Genetics (formerly Invitae), Labcorp
Classification: Uncertain significance. Last evaluated: 2021-10-14. Review status: criteria provided, single submitter. Criteria: Invitae Variant Classification Sherloc (09022015). Collection method: clinical testing. Allele origin: germline.
Comment: This sequence change replaces leucine with serine at codon 1627 of the CACNA1F protein (p.Leu1627Ser). The leucine residue is highly conserved and there is a large physicochemical difference between leucine and serine. This variant is not present in population databases (ExAC no frequency). This variant has not been reported in the literature in individuals affected with CACNA1F-related conditions. Algorithms developed to predict the effect of missense changes on protein structure and function are either unavailable or do not agree on the potential impact of this missense change (SIFT: "Deleterious"; PolyPhen-2: "Benign"; Align-GVGD: "Class C65"). In summary, the available evidence is currently insufficient to determine the role of this variant in disease. Therefore, it has been classified as a Variant of Uncertain Significance.

NM_001256789.3(CACNA1F):c.4847T>C (p.Leu1616Ser)

Genes: CACNA1F (calcium voltage-gated channel subunit alpha1 F; minus strand), LOC126863257 (BRD4-independent group 4 enhancer GRCh37_chrX:49065732-49066931; plus strand). Cytogenetic location: Xp11.23.
Variant type: single nucleotide variant.
Coding change: c.4847T>C on transcript NM_001256789.3 (MANE Select); coding-DNA position 4847, T replaced by C.
Protein change: p.Leu1616Ser; replaces leucine 1616 with serine.
Molecular consequence: missense variant.
Genome position (GRCh38, 1-based): chrX:49,209,368, A>G on the plus strand (T>C on the coding strand, the complement: CACNA1F is on the minus strand). VCF-style: chrX-49209368-A-G. GRCh37 (hg19) VCF-style: chrX-49065828-A-G.
Other names: c.4685T>C, p.Leu1562Ser (NM_001256790.3); c.4880T>C, p.Leu1627Ser (NM_005183.4); short protein forms L1616S, L1562S, L1627S.
Identifiers: ClinVar variation 1387032 (VCV001387032.6), dbSNP rs1488378886, ClinGen allele CA412960082.
Genomic context (GRCh38, chrX:49,209,368, plus strand): 5'-TGCCCCTCTTCTTCCTCCTCCTCTGTGTCACAGGTGAGGGCCTGCCGCATCTCAGGACCC[A>G]AGTCCTGCAGGCTCCGCAGACCAGCCTGTGGGGGTGGAGAAATAGGTAAGCAGGCAGCTC-3'
Protein context (NP_001243718.1, residues 1606-1626): LQAGLRSLQD[Leu1616Ser]GPEMRQALTC